The following is an entry in ClinVar:

NM_015015.3(KDM4B):c.1257G>A (p.Glu419=)

Gene: KDM4B (lysine demethylase 4B; plus strand). Cytogenetic location: 19p13.3.
Variant type: single nucleotide variant.
Coding change: c.1257G>A on transcript NM_015015.3 (MANE Select); coding-DNA position 1257, G replaced by A.
Protein change: p.Glu419=; no amino-acid change (glutamic acid 419 retained).
Molecular consequence: synonymous variant.
Genome position (GRCh38, 1-based): chr19:5,119,794, G>A. VCF-style: chr19-5119794-G-A. GRCh37 (hg19) VCF-style: chr19-5119805-G-A.
Other names: c.1359G>A, p.Glu453= (NM_001411148.1).
Identifiers: ClinVar variation 4085576 (VCV004085576.8).

ClinVar aggregate classification (germline): Likely benign (1 of 4 stars; one submission).

gnomAD v4.1: 1 of 1,462,548 alleles (0.000068%); highest among the groups gnomAD compares: Non-Finnish European, 0.000092%; no homozygotes.

Submission:

CeGaT Center for Human Genetics Tuebingen
Classification: Likely benign. Last evaluated: 2025-08-01. Review status: criteria provided, single submitter. Criteria: CeGaT Center For Human Genetics Tuebingen Variant Classification Criteria Version 2. Collection method: clinical testing. Allele origin: germline. Affected: yes. Observed: 1 variant allele.
Comment: KDM4B: BP4, BP7